The following is an entry in ClinVar:

ClinVar aggregate classification (germline): Benign/Likely benign. Review status: criteria provided, multiple submitters, no conflicts (2 of 4 stars). 8 submissions from 7 submitters: Benign (3); Likely benign (3). 2 of the submissions do not count toward it. Last evaluated 2026-07-01.

Conditions:
Autosomal dominant familial hematuria-retinal arteriolar tortuosity-contractures syndrome. Also called: Hereditary Angiopathy with Nephropathy, Aneurysms, and Muscle Cramps (HANAC) Syndrome; Angiopathy, hereditary, with nephropathy, aneurysms, and muscle cramps. Identifiers: Orphanet 73229, MedGen C2673195, MONDO:0012726, OMIM 611773.
Brain small vessel disease 1 with or without ocular anomalies (BSVD1). Also called: Brain small vessel disease with or without ocular anomalies; BRAIN SMALL VESSEL DISEASE WITH HEMORRHAGE; GOULD SYNDROME 1; PORENCEPHALY, TYPE 1, AUTOSOMAL DOMINANT. Identifiers: Orphanet 2940, Orphanet 36383, Orphanet 99810, MedGen C4755307, MONDO:0008289, OMIM 175780.

Allele frequency attached by ClinVar (database versions not stated): gnomAD 0.00044 and 0.00048; TOPMed 0.00045; gnomAD exomes 0.00046 and 0.00082; ExAC 0.00053; ESP Exome Variant Server 0.00077.
gnomAD v4.1: 1,260 of 1,613,830 alleles (0.078%); highest among the groups gnomAD compares: Non-Finnish European, 0.1%; no homozygotes.

Submissions (9):

CeGaT Center for Human Genetics Tuebingen
Classification: Likely benign. Last evaluated: 2026-07-01. Review status: criteria provided, single submitter. Criteria: CeGaT Center For Human Genetics Tuebingen Variant Classification Criteria Version 2. Collection method: clinical testing. Allele origin: germline. Affected: yes. Observed: 6 variant alleles.
Comment: COL4A1: BP4, BS1

Labcorp Genetics (formerly Invitae), Labcorp
Classification: Benign. Last evaluated: 2026-02-01. Review status: criteria provided, single submitter. Criteria: Invitae Variant Classification Sherloc (09022015). Collection method: clinical testing. Allele origin: germline.

Mayo Clinic Laboratories, Mayo Clinic
Classification: Likely benign. Last evaluated: 2025-06-04. Review status: criteria provided, single submitter. Criteria: ACMG Guidelines, 2015. Collection method: clinical testing. Allele origin: germline. Observed: 1 variant allele.
Comment: BS1, BP4, BP7

Blueprint Genetics
Classification: Likely benign. Last evaluated: 2024-10-24. Review status: criteria provided, single submitter. Criteria: ACMG Guidelines, 2015. Collection method: clinical testing. Allele origin: germline.

Illumina Laboratory Services, Illumina
Classification: Benign for Autosomal dominant familial hematuria-retinal arteriolar tortuosity-contractures syndrome. Last evaluated: 2018-01-13. Review status: criteria provided, single submitter. Criteria: ICSL Variant Classification Criteria 13 December 2019. Collection method: clinical testing. Allele origin: germline.
Comment: This variant was observed in the ICSL laboratory as part of a predisposition screen in an ostensibly healthy population. It had not been previously curated by ICSL or reported in the Human Gene Mutation Database (HGMD: prior to June 1st, 2018), and was therefore a candidate for classification through an automated scoring system. Utilizing variant allele frequency, disease prevalence and penetrance estimates, and inheritance mode, an automated score was calculated to assess if this variant is too frequent to cause the disease. Based on the score and internal cut-off values, a variant classified as benign is not then subjected to further curation. The score for this variant resulted in a classification of benign for this disease.

Illumina Laboratory Services, Illumina
Classification: Benign for Brain small vessel disease 1 with or without ocular anomalies. Last evaluated: 2018-01-13. Review status: criteria provided, single submitter. Criteria: ICSL Variant Classification Criteria 13 December 2019. Collection method: clinical testing. Allele origin: germline.
Comment: the same text as in the submission from Illumina Laboratory Services, Illumina above.

Clinical Genetics DNA and cytogenetics Diagnostics Lab, Erasmus MC, Erasmus Medical Center
Classification: Likely benign. Review status: no assertion criteria provided. Collection method: clinical testing. Allele origin: germline. Affected: yes. Study: VKGL Data-share Consensus. Not counted in ClinVar's aggregate classification.

Dr. Peter K. Rogan Lab, Western University
No classification provided (evidence only). Condition: Melanoma. Review status: no classification provided. Collection method: in vitro. Allele origin: not applicable. Functional consequence: retained intron. Not counted in ClinVar's aggregate classification.

Genome Diagnostics Laboratory, University Medical Center Utrecht
Classification: Likely benign. Review status: no assertion criteria provided. Collection method: clinical testing. Allele origin: germline. Affected: yes. Study: VKGL Data-share Consensus. Not counted in ClinVar's aggregate classification.

NM_001845.6(COL4A1):c.708C>G (p.Val236=)

Gene: COL4A1 (collagen type IV alpha 1 chain; minus strand). Cytogenetic location: 13q34.
Variant type: single nucleotide variant.
Coding change: c.708C>G on transcript NM_001845.6 (MANE Select); coding-DNA position 708, C replaced by G.
Protein change: p.Val236=; no amino-acid change (valine 236 retained).
Molecular consequence: synonymous variant.
Genome position (GRCh38, 1-based): chr13:110,207,475, G>C on the plus strand (C>G on the coding strand, the complement: COL4A1 is on the minus strand). VCF-style: chr13-110207475-G-C. GRCh37 (hg19) VCF-style: chr13-110859822-G-C.
Other names: p.Val236=; c.708C>G, p.Val236= (NM_001303110.2).
Identifiers: ClinVar variation 311073 (VCV000311073.55), dbSNP rs139523466, ClinGen allele CA7048342.
Genomic context (GRCh38, chr13:110,207,475, plus strand): 5'-GGTGGCGAAGTCTCCTTTTTCTTGAACTTGAGCTTGTCCTGGTACTCCTGGAGGCCCACT[G>C]ACCCCTTGGTCACCCTGTCGACATAAAAATGTAAAATTAATTAGGCATGAAAACAATTAT-3'
Protein context (NP_001836.3, residues 226-246): GPKGDKGDQG[Val236=]SGPPGVPGQA